The following is an entry in ClinVar:

ClinVar aggregate classification (germline): Uncertain significance (1 of 4 stars; one submission).

Conditions:
DNMT3A-related disorder. Also called: DNMT3A-related condition; DNMT3A-related disorders.

Allele frequency attached by ClinVar (database versions not stated): gnomAD exomes 0.00001; gnomAD 0.00002; TOPMed 0.00003.

Submission:

PreventionGenetics, part of Exact Sciences
Classification: Uncertain significance for DNMT3A-related condition. Last evaluated: 2023-02-28. Review status: criteria provided, single submitter. Criteria: ACMG Guidelines, 2015. Collection method: clinical testing. Allele origin: germline.
Comment: The DNMT3A c.94G>A variant is predicted to result in the amino acid substitution p.Glu32Lys. To our knowledge, this variant has not been reported in the literature or in a large population database, indicating this variant is rare. At this time, the clinical significance of this variant is uncertain due to the absence of conclusive functional and genetic evidence.

NM_022552.5(DNMT3A):c.640-3749G>A

Gene: DNMT3A (DNA methyltransferase 3 alpha; minus strand). Cytogenetic location: 2p23.3.
Variant type: single nucleotide variant.
Coding change: c.640-3749G>A on transcript NM_022552.5 (MANE Select); 3749 bases into the intron before coding-DNA position 640, G replaced by A.
Molecular consequence: intron variant. On other transcripts: missense variant (1).
Genome position (GRCh38, 1-based): chr2:25,252,001, C>T on the plus strand (G>A on the coding strand, the complement: DNMT3A is on the minus strand). VCF-style: chr2-25252001-C-T. GRCh37 (hg19) VCF-style: chr2-25474870-C-T.
Other names: c.94G>A, p.Glu32Lys (NM_001320893.1); c.640-3749G>A (NM_175629.2); c.4+193G>A (NM_153759.3); c.-31+193G>A (NM_001375819.1); short protein forms E32K.
Identifiers: ClinVar variation 2628633 (VCV002628633.1), dbSNP rs1053461527, ClinGen allele CA43709413.